The following is an entry in ClinVar:

NM_006180.6(NTRK2):c.942G>A (p.Ala314=)

Gene: NTRK2 (neurotrophic receptor tyrosine kinase 2; plus strand). Cytogenetic location: 9q21.33.
Variant type: single nucleotide variant.
Coding change: c.942G>A on transcript NM_006180.6 (MANE Select); coding-DNA position 942, G replaced by A.
Protein change: p.Ala314=; no amino-acid change (alanine 314 retained).
Molecular consequence: synonymous variant.
Genome position (GRCh38, 1-based): chr9:84,727,742, G>A. VCF-style: chr9-84727742-G-A. GRCh37 (hg19) VCF-style: chr9-87342657-G-A.
Other names: c.942G>A, p.Ala314= (NM_001007097.3, NM_001018064.3, NM_001018065.2 and 16 more transcripts); c.903G>A, p.Ala301= (NM_001291937.2, NM_001369546.1); c.474G>A, p.Ala158= (NM_001369535.1, NM_001369536.1, NM_001369550.1 and 2 more transcripts).
Identifiers: ClinVar variation 754000 (VCV000754000.32), dbSNP rs147869160, ClinGen allele CA5105603.

ClinVar aggregate classification (germline): Likely benign. Review status: criteria provided, multiple submitters, no conflicts (2 of 4 stars). 3 submissions from 3 submitters: Likely benign (2). 1 of the submissions does not count toward it. Last evaluated 2025-04-01.

Conditions:
NTRK2-related disorder. Also called: NTRK2-related condition.

Allele frequency attached by ClinVar (database versions not stated): ExAC 0.00001; gnomAD 0.00001; gnomAD exomes 0.00001; TOPMed 0.00003; ESP Exome Variant Server 0.00015.
gnomAD v4.1: 7 of 1,613,994 alleles (0.00043%); highest among the groups gnomAD compares: African/African-American, 0.004%; no homozygotes.

Submissions (3):

Labcorp Genetics (formerly Invitae), Labcorp
Classification: Likely benign. Last evaluated: 2025-04-01. Review status: criteria provided, single submitter. Criteria: Invitae Variant Classification Sherloc (09022015). Collection method: clinical testing. Allele origin: germline.

CeGaT Center for Human Genetics Tuebingen
Classification: Likely benign. Last evaluated: 2022-12-01. Review status: criteria provided, single submitter. Criteria: CeGaT Center For Human Genetics Tuebingen Variant Classification Criteria Version 2. Collection method: clinical testing. Allele origin: germline. Affected: yes. Observed: 1 variant allele.
Comment: NTRK2: BP4, BP7

PreventionGenetics, part of Exact Sciences
Classification: Likely benign for NTRK2-related condition. Last evaluated: 2022-04-10. Review status: no assertion criteria provided. Collection method: clinical testing. Allele origin: germline. Not counted in ClinVar's aggregate classification.
Comment: This variant is classified as likely benign based on ACMG/AMP sequence variant interpretation guidelines (Richards et al. 2015 PMID: 25741868, with internal and published modifications).